The following is an entry in ClinVar:

ClinVar aggregate classification (germline): Uncertain significance (1 of 4 stars; one submission).

Conditions:
Progressive myoclonic epilepsy type 5. Identifiers: Orphanet 402082, MedGen C5190799.

Allele frequency attached by ClinVar (database versions not stated): gnomAD exomes below 0.00001.
gnomAD v4.1: 1 of 1,614,182 alleles (0.000062%); highest among the groups gnomAD compares: Non-Finnish European, 0.000085%; no homozygotes.

Submission:

Labcorp Genetics (formerly Invitae), Labcorp
Classification: Uncertain significance for Progressive myoclonic epilepsy type 5. Last evaluated: 2019-07-08. Review status: criteria provided, single submitter. Criteria: Invitae Variant Classification Sherloc (09022015). Collection method: clinical testing. Allele origin: germline.
Comment: This sequence change replaces valine with alanine at codon 228 of the PRICKLE2 protein (p.Val228Ala). The valine residue is highly conserved and there is a small physicochemical difference between valine and alanine. This variant is not present in population databases (ExAC no frequency). This variant has not been reported in the literature in individuals with PRICKLE2-related conditions. Algorithms developed to predict the effect of missense changes on protein structure and function (SIFT, PolyPhen-2, Align-GVGD) all suggest that this variant is likely to be tolerated, but these predictions have not been confirmed by published functional studies and their clinical significance is uncertain. In summary, the available evidence is currently insufficient to determine the role of this variant in disease. Therefore, it has been classified as a Variant of Uncertain Significance.

NM_198859.4(PRICKLE2):c.683T>C (p.Val228Ala)

Gene: PRICKLE2 (prickle planar cell polarity protein 2; minus strand). Cytogenetic location: 3p14.1.
Variant type: single nucleotide variant.
Coding change: c.683T>C on transcript NM_198859.4 (MANE Select); coding-DNA position 683, T replaced by C.
Protein change: p.Val228Ala; replaces valine 228 with alanine.
Molecular consequence: missense variant.
Genome position (GRCh38, 1-based): chr3:64,153,286, A>G on the plus strand (T>C on the coding strand, the complement: PRICKLE2 is on the minus strand). VCF-style: chr3-64153286-A-G. GRCh37 (hg19) VCF-style: chr3-64138962-A-G.
Other names: c.683T>C, p.Val228Ala (NM_001370528.1); short protein forms V228A.
Identifiers: ClinVar variation 950622 (VCV000950622.1), dbSNP rs2077575900, ClinGen allele CA353433902.